The following is an entry in ClinVar:

NM_002227.4(JAK1):c.2199A>G (p.Pro733=)

Gene: JAK1 (Janus kinase 1; minus strand). Cytogenetic location: 1p31.3.
Variant type: single nucleotide variant.
Coding change: c.2199A>G on transcript NM_002227.4 (MANE Select); coding-DNA position 2199, A replaced by G.
Protein change: p.Pro733=; no amino-acid change (proline 733 retained).
Molecular consequence: synonymous variant.
Genome position (GRCh38, 1-based): chr1:64,844,806, T>C on the plus strand (A>G on the coding strand, the complement: JAK1 is on the minus strand). VCF-style: chr1-64844806-T-C. GRCh37 (hg19) VCF-style: chr1-65310489-T-C.
Other names: p.Pro733=; c.2199A>G, p.Pro733= (NM_001320923.2, NM_001321852.2, NM_001321853.2 and 3 more transcripts); c.2196A>G, p.Pro732= (NM_001321857.2).
Identifiers: ClinVar variation 1169782 (VCV001169782.14), dbSNP rs2230588, ClinGen allele CA892728.

ClinVar aggregate classification (germline): Benign/Likely benign. Review status: criteria provided, multiple submitters, no conflicts (2 of 4 stars). 5 submissions from 5 submitters: Benign (4); Likely benign (1). Last evaluated 2026-02-04.

Allele frequency attached by ClinVar (database versions not stated): gnomAD exomes 0.25140 and 0.29514; ExAC 0.29354; ESP Exome Variant Server 0.34920; gnomAD 0.35962 and 0.36760; 1000 Genomes Project 0.37260; TOPMed 0.37406; 1000 Genomes Project 30x 0.38101.
gnomAD v4.1: 423,248 of 1,613,788 alleles (26%); highest among the groups gnomAD compares: African/African-American, 62%; 62,057 homozygotes.

Submissions (5):

Labcorp Genetics (formerly Invitae), Labcorp
Classification: Benign. Last evaluated: 2026-02-04. Review status: criteria provided, single submitter. Criteria: Invitae Variant Classification Sherloc (09022015). Collection method: clinical testing. Allele origin: germline.

Blueprint Genetics
Classification: Likely benign. Last evaluated: 2024-11-26. Review status: criteria provided, single submitter. Criteria: ACMG Guidelines, 2015. Collection method: clinical testing. Allele origin: germline.

Unidad de Genómica Garrahan, Hospital de Pediatría Garrahan
Classification: Benign. Last evaluated: 2023-11-12. Review status: criteria provided, single submitter. Criteria: ACMG Guidelines, 2015. Collection method: clinical testing. Allele origin: germline. Affected: no. Observed: 47 variant alleles.
Comment: This variant is classified as Benign based on local population frequency. This variant was detected in 49% of patients studied by a panel of primary immunodeficiencies. Number of patients: 47. Only high quality variants are reported.

Mayo Clinic Laboratories, Mayo Clinic
Classification: Benign. Last evaluated: 2022-09-06. Review status: criteria provided, single submitter. Criteria: ACMG Guidelines, 2015. Collection method: clinical testing. Allele origin: germline. Observed: 260 variant alleles.

Breakthrough Genomics
Classification: Benign. Review status: criteria provided, single submitter. Criteria: ACMG Guidelines, 2015. Collection method: not provided. Allele origin: germline. Inheritance: Autosomal dominant inheritance. Affected: yes.